The following is an entry in ClinVar:

NM_000548.5(TSC2):c.3310_3311del (p.Gln1104fs)

Gene: TSC2 (TSC complex subunit 2; plus strand). Cytogenetic location: 16p13.3.
Variant type: Deletion.
Coding change: c.3310_3311del on transcript NM_000548.5 (MANE Select); coding-DNA positions 3310 to 3311, 2 bases deleted (CA; older notation c.3310_3311delCA).
Protein change: p.Gln1104fs; shifts the reading frame from glutamine 1104.
Molecular consequence: frameshift variant.
Genome position (GRCh38, 1-based): chr16:2,079,582-2,079,583, CA deleted; deleting any 2 consecutive bases within chr16:2,079,581-2,079,583 gives the same sequence; the c. name uses the placement nearest the transcript's 3' end. VCF-style (leftmost placement, unchanged base first): chr16-2079580-GAC-G. GRCh37 (hg19) VCF-style: chr16-2129581-GAC-G.
Other names: c.3178_3179del, p.Gln1060fs (NM_001077183.3, NM_001370404.1); c.3310_3311del, p.Gln1104fs (NM_001114382.3); c.3070_3071del, p.Gln1024fs (NM_001318827.2); c.3034_3035del, p.Gln1012fs (NM_001318829.2); c.2578_2579del, p.Gln860fs (NM_001318831.2); c.3211_3212del, p.Gln1071fs (NM_001318832.2); c.3181_3182del, p.Gln1061fs (NM_001363528.2, NM_001370405.1, NM_021055.3); short protein forms Q1060fs, Q1071fs, Q1104fs, Q860fs, Q1024fs, Q1061fs, Q1012fs.
Identifiers: ClinVar variation 49250 (VCV000049250.9), dbSNP rs137854018, ClinGen allele CA018864.

ClinVar aggregate classification (germline): Pathogenic. Review status: criteria provided, single submitter (1 of 4 stars). 2 submissions from 2 submitters: Pathogenic (1). 1 of the submissions does not count toward it. Last evaluated 2017-07-06.

Conditions:
Tuberous sclerosis syndrome (TSC). Also called: Tuberous Sclerosis Complex; Tuberous sclerosis. Identifiers: Orphanet 805, MedGen C0041341, MONDO:0001734.
Tuberous sclerosis 2 (TSC2). Identifiers: Orphanet 805, MedGen C1860707, MONDO:0013199, OMIM 613254.

Submissions (2):

Labcorp Genetics (formerly Invitae), Labcorp
Classification: Pathogenic for Tuberous sclerosis 2. Last evaluated: 2017-07-06. Review status: criteria provided, single submitter. Criteria: Invitae Variant Classification Sherloc (09022015). Collection method: clinical testing. Allele origin: germline.
Comment: This sequence change creates a premature translational stop signal (p.Gln1104Aspfs*63) in the TSC2 gene. It is expected to result in an absent or disrupted protein product. This variant is not present in population databases (ExAC no frequency). This variant has been reported in an individual in the TSC2 Leiden Open-source Variation Database (PMID: 21520333). ClinVar contains an entry for this variant (Variation ID: 49250). Loss-of-function variants in TSC2 are known to be pathogenic (PMID: 10205261, 17304050). For these reasons, this variant has been classified as Pathogenic.

Tuberous sclerosis database (TSC2)
No classification provided. Condition: TSC. Review status: no classification provided. Criteria: Tuberous Sclerosis Database Assertion Criteria 2015. Collection method: curation. Allele origin: germline. Affected: yes. Not counted in ClinVar's aggregate classification.

Literature cited by the submitters: PubMed 21520333 (cited by Labcorp Genetics (formerly Invitae), Labcorp); PubMed 10205261 (cited by Labcorp Genetics (formerly Invitae), Labcorp); PubMed 17304050 (cited by Labcorp Genetics (formerly Invitae), Labcorp).